The following is an entry in ClinVar:

NM_004068.4(AP2M1):c.68A>C (p.Asp23Ala)

Genes: AP2M1 (adaptor related protein complex 2 subunit mu 1; plus strand), LOC123453202 (Sharpr-MPRA regulatory region 464; plus strand). Cytogenetic location: 3q27.1.
Variant type: single nucleotide variant.
Coding change: c.68A>C on transcript NM_004068.4 (MANE Select); coding-DNA position 68, A replaced by C.
Protein change: p.Asp23Ala; replaces aspartic acid 23 with alanine.
Molecular consequence: missense variant.
Genome position (GRCh38, 1-based): chr3:184,177,061, A>C. VCF-style: chr3-184177061-A-C. GRCh37 (hg19) VCF-style: chr3-183894849-A-C.
Other names: c.68A>C, p.Asp23Ala (NM_001025205.2, NM_001311198.2); short protein forms D23A.
Identifiers: ClinVar variation 2766094 (VCV002766094.3), dbSNP rs2473715472, ClinGen allele CA355419643.
Genomic context (GRCh38, chr3:184,177,061, plus strand): 5'-GAGGCTTATTCATCTATAATCACAAGGGGGAGGTGCTCATCTCCCGAGTCTACCGAGATG[A>C]CATCGGGTGAGTCCCCTGGCGGAGCCAGCTGTGCCCCACCACTCCAGCCCCCCAGCCCCA-3'
Protein context (NP_004059.2, residues 13-33): EVLISRVYRD[Asp23Ala]IGRNAVDAFR

ClinVar aggregate classification (germline): Uncertain significance (1 of 4 stars; one submission).

Submission:

Labcorp Genetics (formerly Invitae), Labcorp
Classification: Uncertain significance. Last evaluated: 2023-11-01. Review status: criteria provided, single submitter. Criteria: Invitae Variant Classification Sherloc (09022015). Collection method: clinical testing. Allele origin: germline.
Comment: This sequence change replaces aspartic acid, which is acidic and polar, with alanine, which is neutral and non-polar, at codon 23 of the AP2M1 protein (p.Asp23Ala). This variant is not present in population databases (gnomAD no frequency). This variant has not been reported in the literature in individuals affected with AP2M1-related conditions. An algorithm developed to predict the effect of missense changes on protein structure and function (PolyPhen-2) suggests that this variant is likely to be disruptive. In summary, the available evidence is currently insufficient to determine the role of this variant in disease. Therefore, it has been classified as a Variant of Uncertain Significance.